The following is an entry in ClinVar:

NM_000368.5(TSC1):c.-143-260del

Gene: TSC1 (TSC complex subunit 1; minus strand). Cytogenetic location: 9q34.13.
Variant type: Deletion.
Coding change: c.-143-260del on transcript NM_000368.5 (MANE Select); 260 bases into the intron before 143 bases upstream of the start codon, one base deleted (T; older notation c.-143-260delT).
Molecular consequence: intron variant.
Genome position (GRCh38, 1-based): chr9:132,935,355, A deleted on the plus strand (T on the coding strand, the reverse complement: TSC1 is on the minus strand); the first of 3 consecutive A bases (chr9:132,935,355-132,935,357); deleting any one gives the same sequence. VCF-style (leftmost placement, unchanged base first): chr9-132935354-TA-T. GRCh37 (hg19) VCF-style: chr9-135810741-TA-T.
Other names: c.-216-260del (NM_001406620.1, NM_001406618.1); c.-402-260del (NM_001406625.1, NM_001406621.1, NM_001406617.1 and 3 more transcripts); c.-143-260del (NM_001406613.1, NM_001406612.1, NM_001406610.1 and 16 more transcripts); c.-1020-260del (NM_001406627.1, NM_001406628.1, NM_001406626.1); c.-1162-260del (NM_001406629.1); c.-362-260del (NM_001406600.1, NM_001406595.1, NM_001406599.1 and 1 more transcripts); c.-80-6403del (NM_001406596.1); c.-494-260del (NM_001406614.1); and 3 more.
Identifiers: ClinVar variation 3340381 (VCV003340381.1).

ClinVar aggregate classification (germline): Uncertain significance (1 of 4 stars; one submission).

Submission:

GeneDx
Classification: Uncertain significance. Last evaluated: 2023-12-13. Review status: criteria provided, single submitter. Criteria: GeneDx Variant Classification Process June 2021. Collection method: clinical testing. Allele origin: germline. Affected: yes.
Comment: Not observed at significant frequency in large population cohorts (gnomAD); In silico analysis supports that this variant does not alter splicing; Has not been previously published as pathogenic or benign to our knowledge